The following is an entry in ClinVar:

NM_022765.4(MICAL1):c.2974A>T (p.Met992Leu)

Gene: MICAL1 (microtubule associated monooxygenase, calponin and LIM domain containing 1; minus strand). Cytogenetic location: 6q21.
Variant type: single nucleotide variant.
Coding change: c.2974A>T on transcript NM_022765.4 (MANE Select); coding-DNA position 2974, A replaced by T.
Protein change: p.Met992Leu; replaces methionine 992 with leucine.
Molecular consequence: missense variant.
Genome position (GRCh38, 1-based): chr6:109,444,903, T>A on the plus strand (A>T on the coding strand, the complement: MICAL1 is on the minus strand). VCF-style: chr6-109444903-T-A. GRCh37 (hg19) VCF-style: chr6-109766106-T-A.
Other names: c.3031A>T, p.Met1011Leu (NM_001286613.2); c.2716A>T, p.Met906Leu (NM_001159291.2); short protein forms M906L, M1011L, M992L.
Identifiers: ClinVar variation 2018520 (VCV002018520.4), dbSNP rs1775138602, ClinGen allele CA365221140.

ClinVar aggregate classification (germline): Uncertain significance (1 of 4 stars; one submission).

Submission:

Labcorp Genetics (formerly Invitae), Labcorp
Classification: Uncertain significance. Last evaluated: 2022-07-21. Review status: criteria provided, single submitter. Criteria: Invitae Variant Classification Sherloc (09022015). Collection method: clinical testing. Allele origin: germline.
Comment: In summary, the available evidence is currently insufficient to determine the role of this variant in disease. Therefore, it has been classified as a Variant of Uncertain Significance. Algorithms developed to predict the effect of missense changes on protein structure and function are either unavailable or do not agree on the potential impact of this missense change (SIFT: "Deleterious"; PolyPhen-2: "Probably Damaging"; Align-GVGD: "Class C0"). This variant has not been reported in the literature in individuals affected with MICAL1-related conditions. This variant is not present in population databases (gnomAD no frequency). This sequence change replaces methionine, which is neutral and non-polar, with leucine, which is neutral and non-polar, at codon 1011 of the MICAL1 protein (p.Met1011Leu).